The following is an entry in ClinVar:

NM_001371928.1(AHDC1):c.100A>C (p.Thr34Pro)

Gene: AHDC1 (AT-hook DNA binding motif containing 1; minus strand). Cytogenetic location: 1p36.11.
Variant type: single nucleotide variant.
Coding change: c.100A>C on transcript NM_001371928.1 (MANE Select); coding-DNA position 100, A replaced by C.
Protein change: p.Thr34Pro; replaces threonine 34 with proline.
Molecular consequence: missense variant.
Genome position (GRCh38, 1-based): chr1:27,552,016, T>G on the plus strand (A>C on the coding strand, the complement: AHDC1 is on the minus strand). VCF-style: chr1-27552016-T-G. GRCh37 (hg19) VCF-style: chr1-27878527-T-G.
Other names: c.100A>C, p.Thr34Pro (NM_001029882.3); short protein forms T34P.
Identifiers: ClinVar variation 402347 (VCV000402347.6), dbSNP rs758473342, ClinGen allele CA716223.

ClinVar aggregate classification (germline): Conflicting classifications of pathogenicity. Review status: criteria provided, conflicting classifications (1 of 4 stars). 2 submissions from 2 submitters: Uncertain significance (1); Benign (1). Last evaluated 2019-08-10.

Allele frequency attached by ClinVar (database versions not stated): gnomAD exomes 0.32198; ExAC 0.42308.

Submissions (2):

GeneDx
Classification: Benign. Last evaluated: 2019-08-10. Review status: criteria provided, single submitter. Criteria: GeneDx Variant Classification Process June 2021. Collection method: clinical testing. Allele origin: germline. Affected: yes.

Laboratory for Molecular Medicine, Mass General Brigham Personalized Medicine
Classification: Uncertain significance. Last evaluated: 2016-03-28. Review status: criteria provided, single submitter. Criteria: LMM Criteria. Collection method: clinical testing. Allele origin: germline.
Comment: Variant identified in a genome or exome case(s) and assessed due to predicted null impact of the variant or pathogenic assertions in the literature or databases. Disclaimer: This variant has not undergone full assessment. The following are preliminary notes: only coveraged in 169 individuals in ExAC - looks like exome FP.